The following is an entry in ClinVar:

ClinVar aggregate classification (germline): Uncertain significance (1 of 4 stars; one submission).

Submission:

Labcorp Genetics (formerly Invitae), Labcorp
Classification: Uncertain significance. Last evaluated: 2022-09-29. Review status: criteria provided, single submitter. Criteria: Invitae Variant Classification Sherloc (09022015). Collection method: clinical testing. Allele origin: germline.
Comment: In summary, the available evidence is currently insufficient to determine the role of this variant in disease. Therefore, it has been classified as a Variant of Uncertain Significance. Algorithms developed to predict the effect of sequence changes on RNA splicing suggest that this variant may disrupt the consensus splice site. This variant has not been reported in the literature in individuals affected with PRPF3-related conditions. This variant is not present in population databases (gnomAD no frequency). This sequence change affects codon 471 of the PRPF3 mRNA. It is a 'silent' change, meaning that it does not change the encoded amino acid sequence of the PRPF3 protein.

NM_004698.4(PRPF3):c.1413T>C (p.Pro471=)

Gene: PRPF3 (pre-mRNA processing factor 3; plus strand). Cytogenetic location: 1q21.2.
Variant type: single nucleotide variant.
Coding change: c.1413T>C on transcript NM_004698.4 (MANE Select); coding-DNA position 1413, T replaced by C.
Protein change: p.Pro471=; no amino-acid change (proline 471 retained).
Molecular consequence: synonymous variant. On other transcripts: non-coding transcript variant (4).
Genome position (GRCh38, 1-based): chr1:150,343,439, T>C. VCF-style: chr1-150343439-T-C. GRCh37 (hg19) VCF-style: chr1-150315915-T-C.
Other names: c.1008T>C, p.Pro336= (NM_001350529.1).
Identifiers: ClinVar variation 2031518 (VCV002031518.4), dbSNP rs2525216634, ClinGen allele CA420681852.